The following is an entry in ClinVar:

NM_153365.3(TAPT1):c.200-7T>C

Gene: TAPT1 (transmembrane anterior posterior transformation 1; minus strand). Cytogenetic location: 4p15.32.
Variant type: single nucleotide variant.
Coding change: c.200-7T>C on transcript NM_153365.3 (MANE Select); 7 bases into the intron before coding-DNA position 200, T replaced by C.
Molecular consequence: intron variant.
Genome position (GRCh38, 1-based): chr4:16,213,905, A>G on the plus strand (T>C on the coding strand, the complement: TAPT1 is on the minus strand). VCF-style: chr4-16213905-A-G. GRCh37 (hg19) VCF-style: chr4-16215528-A-G.
Other names: c.200-7T>C (NM_153365.2).
Identifiers: ClinVar variation 1151644 (VCV001151644.11), dbSNP rs369174991, ClinGen allele CA2867567.

ClinVar aggregate classification (germline): Likely benign. Review status: criteria provided, single submitter (1 of 4 stars). 2 submissions from 2 submitters: Likely benign (1). 1 of the submissions does not count toward it. Last evaluated 2026-01-07.

Conditions:
TAPT1-related disorder. Also called: TAPT1-related condition.

Allele frequency attached by ClinVar (database versions not stated): ExAC 0.00014; gnomAD exomes 0.00016 and 0.00033; gnomAD 0.00025; TOPMed 0.00033; ESP Exome Variant Server 0.00068.
gnomAD v4.1: 501 of 1,580,536 alleles (0.032%); highest among the groups gnomAD compares: Non-Finnish European, 0.04%; no homozygotes.

Submissions (2):

Labcorp Genetics (formerly Invitae), Labcorp
Classification: Likely benign. Last evaluated: 2026-01-07. Review status: criteria provided, single submitter. Criteria: Invitae Variant Classification Sherloc (09022015). Collection method: clinical testing. Allele origin: germline.

PreventionGenetics, part of Exact Sciences
Classification: Likely benign for TAPT1-related condition. Last evaluated: 2023-11-30. Review status: no assertion criteria provided. Collection method: clinical testing. Allele origin: germline. Not counted in ClinVar's aggregate classification.
Comment: This variant is classified as likely benign based on ACMG/AMP sequence variant interpretation guidelines (Richards et al. 2015 PMID: 25741868, with internal and published modifications).